The following is an entry in ClinVar:

NM_024818.6(UBA5):c.169A>G (p.Met57Val)

Genes: NPHP3-ACAD11 (NPHP3-ACAD11 readthrough (NMD candidate); minus strand), UBA5 (ubiquitin like modifier activating enzyme 5; plus strand). Cytogenetic location: 3q22.1.
Variant type: single nucleotide variant.
Coding change: c.169A>G on transcript NM_024818.6 (MANE Select); coding-DNA position 169, A replaced by G.
Protein change: p.Met57Val; replaces methionine 57 with valine.
Molecular consequence: missense variant. On other transcripts: initiator codon variant (2), intron variant (2).
Genome position (GRCh38, 1-based): chr3:132,665,830, A>G. VCF-style: chr3-132665830-A-G. GRCh37 (hg19) VCF-style: chr3-132384674-A-G.
Other names: c.1A>G, p.Met1Val (NM_001320210.2, NM_198329.4); c.-39-2988A>G (NM_001321239.1); c.28-2988A>G (NM_001321238.2); short protein forms M57V, M1V.
Identifiers: ClinVar variation 265755 (VCV000265755.18), dbSNP rs532178791, ClinGen allele CA2621286.

ClinVar aggregate classification (germline): Conflicting classifications of pathogenicity. Review status: criteria provided, conflicting classifications (1 of 4 stars). 7 submissions from 7 submitters: Pathogenic (1); Likely pathogenic (2); Uncertain significance (3). 1 of the submissions does not count toward it. Last evaluated 2026-01-26.

Conditions:
Developmental and epileptic encephalopathy, 44 (DEE44). Also called: Epileptic encephalopathy, early infantile, 44. Identifiers: MedGen C4310700, MONDO:0014933, OMIM 617132.

Allele frequency attached by ClinVar (database versions not stated): TOPMed 0.00001; gnomAD exomes 0.00002 and 0.00010; ExAC 0.00008; 1000 Genomes Project 30x 0.00047; gnomAD 0.00003 and 0.00001; 1000 Genomes Project 0.00060.

Submissions (7):

Medical and Scientific Branch, Hong Kong Genome Institute
Classification: Likely pathogenic for Developmental and epileptic encephalopathy, 44. Last evaluated: 2026-01-26. Review status: criteria provided, single submitter. Criteria: ACMG Guidelines, 2015. Collection method: clinical testing. Allele origin: maternal. Affected: yes.

GeneDx
Classification: Likely pathogenic. Last evaluated: 2025-10-14. Review status: criteria provided, single submitter. Criteria: GeneDx Variant Classification Process June 2021. Collection method: clinical testing. Allele origin: germline. Affected: yes.
Comment: Published functional studies demonstrate a damaging effect: drastic reductions in catalytic activities and decreased ATP binding (PMID: 27545681, 38079206); In silico analysis supports that this missense variant has a deleterious effect on protein structure/function; This variant is associated with the following publications: (PMID: 27926783, 30078785, 36932998, 35672414, 36680403, 38079206, 27545681)

3billion
Classification: Pathogenic for Developmental and epileptic encephalopathy, 44. Last evaluated: 2025-08-19. Review status: criteria provided, single submitter. Criteria: ACMG Guidelines, 2015. Collection method: clinical testing. Allele origin: germline. Affected: yes.
Comment: The variant is observed at an extremely low frequency in the gnomAD v4.1.0 dataset (total allele frequency: 0.003%). Predicted Consequence/Location: Missense variant Functional studies provide strong evidence of the variant having a damaging effect on the gene or gene product (PMID: 27545681, 27926783). In silico tool predictions suggest damaging effect of the variant on gene or gene product [REVEL: 0.90 (>=0.6, sensitivity 0.68 and specificity 0.92)]. The same nucleotide change resulting in the same amino acid change has been previously reported to be associated with UBA5-related disorder (PMID: 27545681 /3billion dataset). The variant has been reported to be in trans with a pathogenic variant as either compound heterozygous or homozygous in at least one similarly affected unrelated individual (PMID: 27545681, 27926783). Therefore, this variant is classified as Pathogenic according to the recommendation of ACMG/AMP guideline.

Genomic Medicine Center of Excellence, King Faisal Specialist Hospital and Research Centre
Classification: Uncertain significance for Developmental and epileptic encephalopathy, 44. Last evaluated: 2024-12-18. Review status: criteria provided, single submitter. Criteria: ACMG Guidelines, 2015. Collection method: clinical testing. Allele origin: germline.

Labcorp Genetics (formerly Invitae), Labcorp
Classification: Uncertain significance. Last evaluated: 2022-08-10. Review status: criteria provided, single submitter. Criteria: Invitae Variant Classification Sherloc (09022015). Collection method: clinical testing. Allele origin: germline.
Comment: This sequence change replaces methionine, which is neutral and non-polar, with valine, which is neutral and non-polar, at codon 57 of the UBA5 protein (p.Met57Val). This variant is present in population databases (rs532178791, gnomAD 0.1%). This missense change has been observed in individual(s) with clinical features of UBA5-related conditions (PMID: 27545681). ClinVar contains an entry for this variant (Variation ID: 265755). Algorithms developed to predict the effect of missense changes on protein structure and function are either unavailable or do not agree on the potential impact of this missense change (SIFT: "Not Available"; PolyPhen-2: "Benign"; Align-GVGD: "Not Available"). Experimental studies have shown that this missense change affects UBA5 function (PMID: 27545681, 29663568). In summary, the available evidence is currently insufficient to determine the role of this variant in disease. Therefore, it has been classified as a Variant of Uncertain Significance.

Baylor Genetics
Classification: Uncertain significance for Developmental and epileptic encephalopathy, 44. Last evaluated: 2020-02-07. Review status: criteria provided, single submitter. Criteria: ACMG Guidelines, 2015. Collection method: clinical testing. Allele origin: unknown. Affected: yes.
Comment: This variant was determined to be of uncertain significance according to ACMG Guidelines, 2015 [PMID:25741868].

OMIM
Classification: Pathogenic for DEVELOPMENTAL AND EPILEPTIC ENCEPHALOPATHY 44. Last evaluated: 2020-11-10. Review status: no assertion criteria provided. Collection method: literature only. Allele origin: germline. Not counted in ClinVar's aggregate classification.

Literature cited by the submitters: PubMed 27545681 (cited by 3 submitters); PubMed 27926783 (cited by 3billion); PubMed 29663568 (cited by Labcorp Genetics (formerly Invitae), Labcorp).